The following is an entry in ClinVar:

NM_001042472.3(ABHD12):c.1114C>T (p.His372Tyr)

Gene: ABHD12 (abhydrolase domain containing 12, lysophospholipase; minus strand). Cytogenetic location: 20p11.21.
Variant type: single nucleotide variant.
Coding change: c.1114C>T on transcript NM_001042472.3 (MANE Select); coding-DNA position 1114, C replaced by T.
Protein change: p.His372Tyr; replaces histidine 372 with tyrosine.
Molecular consequence: missense variant.
Genome position (GRCh38, 1-based): chr20:25,302,262, G>A on the plus strand (C>T on the coding strand, the complement: ABHD12 is on the minus strand). VCF-style: chr20-25302262-G-A. GRCh37 (hg19) VCF-style: chr20-25282898-G-A.
Other names: c.1114C>T, p.His372Tyr (NM_015600.5); short protein forms H372Y.
Identifiers: ClinVar variation 835901 (VCV000835901.9), dbSNP rs2088649917, ClinGen allele CA408453905.

ClinVar aggregate classification (germline): Uncertain significance (1 of 4 stars; one submission).

Allele frequency attached by ClinVar (database versions not stated): TOPMed below 0.00001.

Submission:

Labcorp Genetics (formerly Invitae), Labcorp
Classification: Uncertain significance. Last evaluated: 2022-11-08. Review status: criteria provided, single submitter. Criteria: Invitae Variant Classification Sherloc (09022015). Collection method: clinical testing. Allele origin: germline.
Comment: This variant is not present in population databases (gnomAD no frequency). In summary, the available evidence is currently insufficient to determine the role of this variant in disease. Therefore, it has been classified as a Variant of Uncertain Significance. Advanced modeling of protein sequence and biophysical properties (such as structural, functional, and spatial information, amino acid conservation, physicochemical variation, residue mobility, and thermodynamic stability) performed at Invitae indicates that this missense variant is expected to disrupt ABHD12 protein function. ClinVar contains an entry for this variant (Variation ID: 835901). This variant has not been reported in the literature in individuals affected with ABHD12-related conditions. This sequence change replaces histidine, which is basic and polar, with tyrosine, which is neutral and polar, at codon 372 of the ABHD12 protein (p.His372Tyr).